The following is an entry in ClinVar:

NM_000374.5(UROD):c.20+1G>T

Genes: UROD (uroporphyrinogen decarboxylase; plus strand), LOC129930433 (ATAC-STARR-seq lymphoblastoid active region 959; plus strand). Cytogenetic location: 1p34.1.
Variant type: single nucleotide variant.
Coding change: c.20+1G>T on transcript NM_000374.5 (MANE Select); the canonical splice donor site of the intron after coding-DNA position 20, G replaced by T.
Molecular consequence: splice donor variant.
Genome position (GRCh38, 1-based): chr1:45,012,286, G>T. VCF-style: chr1-45012286-G-T. GRCh37 (hg19) VCF-style: chr1-45477958-G-T.
Other names: NC_000001.10:g.45477958G>T.
Identifiers: ClinVar variation 2683615 (VCV002683615.3), dbSNP rs567894083, ClinGen allele CA825079.

ClinVar aggregate classification (germline): Pathogenic. Review status: criteria provided, multiple submitters, no conflicts (2 of 4 stars). 2 submissions from 2 submitters: Pathogenic (2). Last evaluated 2025-11-12.

Allele frequency attached by ClinVar (database versions not stated): gnomAD 0.00001; 1000 Genomes Project 30x 0.00016; 1000 Genomes Project 0.00020.

Submissions (3):

Labcorp Genetics (formerly Invitae), Labcorp
Classification: Pathogenic. Last evaluated: 2025-11-12. Review status: criteria provided, single submitter. Criteria: Invitae Variant Classification Sherloc (09022015). Collection method: clinical testing. Allele origin: germline.
Comment: This sequence change affects a donor splice site in intron 1 of the UROD gene. It is expected to disrupt RNA splicing. Variants that disrupt the donor or acceptor splice site typically lead to a loss of protein function (PMID: 16199547), and loss-of-function variants in UROD are known to be pathogenic (PMID: 1634232, 17240319, 19233912, 19419417, 23545314). This variant is present in population databases (rs567894083, gnomAD 0.007%). Disruption of this splice site has been observed in individuals with autosomal dominant porphyria cutanea tarda (PMID: 12699245, 19233912). This variant is also known as IVS1+1T>G. ClinVar contains an entry for this variant (Variation ID: 2683615). For these reasons, this variant has been classified as Pathogenic.

Mayo Clinic Laboratories, Mayo Clinic
Classification: Pathogenic. Last evaluated: 2023-04-25. Review status: criteria provided, single submitter. Criteria: ACMG Guidelines, 2015. Collection method: clinical testing. Allele origin: germline. Observed: 1 variant allele.
Comment: PP4, PM2, PVS1

Dr. Peter K. Rogan Lab, Western University
No classification provided (evidence only). Condition: Thyroid cancer, nonmedullary, 1. Review status: no classification provided. Collection method: in vitro. Allele origin: not applicable. Functional consequence: retained intron. Not counted in ClinVar's aggregate classification.

Literature cited by the submitters: PubMed 16199547 (cited by Labcorp Genetics (formerly Invitae), Labcorp); PubMed 1634232 (cited by Labcorp Genetics (formerly Invitae), Labcorp); PubMed 17240319 (cited by Labcorp Genetics (formerly Invitae), Labcorp); PubMed 19233912 (cited by Labcorp Genetics (formerly Invitae), Labcorp); PubMed 19419417 (cited by Labcorp Genetics (formerly Invitae), Labcorp); PubMed 23545314 (cited by Labcorp Genetics (formerly Invitae), Labcorp); PubMed 12699245 (cited by Labcorp Genetics (formerly Invitae), Labcorp and Mayo Clinic Laboratories, Mayo Clinic).